The following is an entry in ClinVar:

NM_004522.3(KIF5C):c.820-4A>G

Gene: KIF5C (kinesin family member 5C; plus strand). Cytogenetic location: 2q23.1.
Variant type: single nucleotide variant.
Coding change: c.820-4A>G on transcript NM_004522.3 (MANE Select); 4 bases into the intron before coding-DNA position 820, A replaced by G.
Molecular consequence: intron variant.
Genome position (GRCh38, 1-based): chr2:148,950,310, A>G. VCF-style: chr2-148950310-A-G. GRCh37 (hg19) VCF-style: chr2-149806824-A-G.
Identifiers: ClinVar variation 2581663 (VCV002581663.1), dbSNP rs748178022, ClinGen allele CA1901331.

ClinVar aggregate classification (germline): Uncertain significance (1 of 4 stars; one submission).

Allele frequency attached by ClinVar (database versions not stated): gnomAD exomes below 0.00001; ExAC 0.00001.
gnomAD v4.1: 2 of 1,613,138 alleles (0.00012%); highest among the groups gnomAD compares: Non-Finnish European, 0.00017%; no homozygotes.

Submission:

Women's Health and Genetics/Laboratory Corporation of America, LabCorp
Classification: Uncertain significance. Last evaluated: 2023-08-11. Review status: criteria provided, single submitter. Criteria: LabCorp Variant Classification Summary - May 2015. Collection method: clinical testing. Allele origin: germline.
Comment: Variant summary: KIF5C c.820-4A>G alters a non-conserved nucleotide located close to a canonical splice site and therefore could affect mRNA splicing, leading to a significantly altered protein sequence. Several computational tools predict a significant impact on normal splicing: One predicts the variant abolishes a canonical 3' acceptor site and three predict the variant weakens the same canonical 3' acceptor site. Two predict the variant creates a cryptic 3' acceptor site 3nt upstream into intron 9. However, these predictions have yet to be confirmed by functional studies. The variant allele was found at a frequency of 4e-06 in 248666 control chromosomes (gnomAD). The available data on variant occurrences in the general population are insufficient to allow any conclusion about variant significance. To our knowledge, no occurrence of c.820-4A>G in individuals affected with Complex Cortical Dysplasia With Other Brain Malformations 2 and no experimental evidence demonstrating its impact on protein function have been reported. No submitters have cited clinical-significance assessments for this variant to ClinVar after 2014. Based on the evidence outlined above, the variant was classified as uncertain significance.